The following is an entry in ClinVar:

ClinVar aggregate classification (germline): Uncertain significance. Review status: criteria provided, multiple submitters, no conflicts (2 of 4 stars). 2 submissions from 2 submitters: Uncertain significance (2). Last evaluated 2025-10-18.

Conditions:
Epileptic encephalopathy. Identifiers: MedGen C0543888, HP:0200134.

Allele frequency attached by ClinVar (database versions not stated): TOPMed 0.00001; gnomAD exomes 0.00003; ExAC 0.00004.

Submissions (2):

Ambry Genetics
Classification: Uncertain significance. Last evaluated: 2025-10-18. Review status: criteria provided, single submitter. Criteria: Ambry Variant Classification Scheme 2023. Collection method: clinical testing. Allele origin: germline.

Labcorp Genetics (formerly Invitae), Labcorp
Classification: Uncertain significance for Epileptic encephalopathy. Last evaluated: 2021-03-27. Review status: criteria provided, single submitter. Criteria: Invitae Variant Classification Sherloc (09022015). Collection method: clinical testing. Allele origin: germline.
Comment: This sequence change replaces arginine with histidine at codon 1552 of the FASN protein (p.Arg1552His). The arginine residue is moderately conserved and there is a small physicochemical difference between arginine and histidine. This variant is present in population databases (rs774834763, ExAC 0.02%). This variant has not been reported in the literature in individuals with FASN-related conditions. Algorithms developed to predict the effect of missense changes on protein structure and function are either unavailable or do not agree on the potential impact of this missense change (SIFT: "Deleterious"; PolyPhen-2: "Benign"; Align-GVGD: "Class C0"). In summary, the available evidence is currently insufficient to determine the role of this variant in disease. Therefore, it has been classified as a Variant of Uncertain Significance.

NM_004104.5(FASN):c.4655G>A (p.Arg1552His)

Gene: FASN (fatty acid synthase; minus strand). Cytogenetic location: 17q25.3.
Variant type: single nucleotide variant.
Coding change: c.4655G>A on transcript NM_004104.5 (MANE Select); coding-DNA position 4655, G replaced by A.
Protein change: p.Arg1552His; replaces arginine 1552 with histidine.
Molecular consequence: missense variant.
Genome position (GRCh38, 1-based): chr17:82,084,626, C>T on the plus strand (G>A on the coding strand, the complement: FASN is on the minus strand). VCF-style: chr17-82084626-C-T. GRCh37 (hg19) VCF-style: chr17-80042502-C-T.
Other names: c.4655G>A (NM_004104.4); short protein forms R1552H.
Identifiers: ClinVar variation 1508424 (VCV001508424.10), dbSNP rs774834763, ClinGen allele CA8851981.